The following is an entry in ClinVar:

ClinVar aggregate classification (germline): Uncertain significance (1 of 4 stars; one submission).

Conditions:
Hereditary cancer-predisposing syndrome. Also called: Neoplastic Syndromes, Hereditary; Tumor predisposition; Hereditary neoplastic syndrome; Hereditary Cancer Syndrome. Identifiers: Orphanet 140162, MedGen C0027672, MeSH D009386, MONDO:0015356.

Submission:

Ambry Genetics
Classification: Uncertain significance for Hereditary cancer-predisposing syndrome. Last evaluated: 2023-12-06. Review status: criteria provided, single submitter. Criteria: Ambry Variant Classification Scheme 2023. Collection method: clinical testing. Allele origin: germline.
Comment: The c.2724_2725delACinsCA variant (also known as p.E908_L909delinsDI), located in coding exon 10 of the BRCA2 gene, results from an in-frame deletion of AC and insertion of CA at nucleotide positions 2724 to 2725. This results in the substitution of glutamate and leucine residues for a aspartate and isoleucine residue at codon 908 and 909. This amino acid region is not well conserved in available vertebrate species. In addition, the in silico prediction for this alteration is inconclusive (Choi Y et al. PLoS ONE. 2012; 7(10):e46688). Since supporting evidence is limited at this time, the clinical significance of this alteration remains unclear.

NM_000059.4(BRCA2):c.2724_2725delinsCA (p.Glu908_Leu909delinsAspIle)

Gene: BRCA2 (BRCA2 DNA repair associated; plus strand). Cytogenetic location: 13q13.1.
Variant type: Indel.
Coding change: c.2724_2725delinsCA on transcript NM_000059.4 (MANE Select); coding-DNA positions 2724 to 2725, AC replaced by CA.
Protein change: p.Glu908_Leu909delinsAspIle.
Molecular consequence: missense variant. On other transcripts: non-coding transcript variant (1), intron variant (2).
Genome position (GRCh38, 1-based): chr13:32,337,079-32,337,080, AC replaced by CA. VCF-style: chr13-32337079-AC-CA. GRCh37 (hg19) VCF-style: chr13-32911216-AC-CA.
Other names: c.2724_2725delinsCA, p.Glu908_Leu909delinsAspIle (NM_001406719.1, NM_001406720.1); c.1909+3692_1909+3693delinsCA (NM_001406721.1); c.424+6049_424+6050delinsCA (NM_001406722.1).
Identifiers: ClinVar variation 3226044 (VCV003226044.1), dbSNP rs2548524549, ClinGen allele CA2825002132.